The following is an entry in ClinVar:

ClinVar aggregate classification (germline): Pathogenic/Likely pathogenic. Review status: criteria provided, multiple submitters, no conflicts (2 of 4 stars). 2 submissions from 2 submitters: Pathogenic (1); Likely pathogenic (1). Last evaluated 2024-06-02.

Conditions:
RPE65-related disorder. Also called: RPE65-related condition; RPE65-related disorders. Identifiers: MedGen CN239301.
RPE65-related recessive retinopathy. Also called: Recessive RPE65 retinopathy. Identifiers: MedGen CN305526, MONDO:0100368.

Submissions (2):

Myriad Genetics, Inc.
Classification: Pathogenic for RPE65-related recessive retinopathy. Last evaluated: 2024-06-02. Review status: criteria provided, single submitter. Criteria: Myriad Autosomal Dominant, Autosomal Recessive and X-Linked Classification Criteria (2023). Collection method: clinical testing. Allele origin: unknown.
Comment: NM_000329.2(RPE65):c.432C>A(Y144*) is expected to be pathogenic in the context of inherited retinal dystrophy, RPE65-related. This variant is predicted to lead to an abnormal or absent protein product due to the creation of a premature termination codon in RPE65, a gene where loss-of-function variants are known to be pathogenic. Please note: this variant was assessed in the context of healthy population screening.

Blueprint Genetics
Classification: Likely pathogenic for RPE65-related disorders. Last evaluated: 2018-12-28. Review status: criteria provided, single submitter. Criteria: ACMG Guidelines, 2015. Collection method: clinical testing. Allele origin: germline. Affected: yes. Observed: 1 variant allele.

NM_000329.3(RPE65):c.432C>A (p.Tyr144Ter)

Gene: RPE65 (retinoid isomerohydrolase RPE65; minus strand). Cytogenetic location: 1p31.3.
Variant type: single nucleotide variant.
Coding change: c.432C>A on transcript NM_000329.3 (MANE Select); coding-DNA position 432, C replaced by A.
Protein change: p.Tyr144Ter; replaces tyrosine 144 with a stop codon.
Molecular consequence: nonsense.
Genome position (GRCh38, 1-based): chr1:68,444,594, G>T on the plus strand (C>A on the coding strand, the complement: RPE65 is on the minus strand). VCF-style: chr1-68444594-G-T. GRCh37 (hg19) VCF-style: chr1-68910277-G-T.
Other names: c.324C>A, p.Tyr108Ter (NM_001406853.1); c.156C>A, p.Tyr52Ter (NM_001406856.1, NM_001406857.1); c.432C>A, p.Tyr144Ter (NM_001406859.1, NM_001406860.1); short protein forms Y108*, Y144*, Y52*.
Identifiers: ClinVar variation 4894435 (VCV004894435.2).